The following is an entry in ClinVar:

ClinVar aggregate classification (germline): Pathogenic (1 of 4 stars; one submission).

Conditions:
Duchenne muscular dystrophy (DMD). Also called: MUSCULAR DYSTROPHY, PSEUDOHYPERTROPHIC PROGRESSIVE, DUCHENNE TYPE; Duchenne Muscular Dystrophy (DMD). Identifiers: Orphanet 98896, MedGen C0013264, MONDO:0010679, OMIM 310200.

Submission:

Labcorp Genetics (formerly Invitae), Labcorp
Classification: Pathogenic for Duchenne muscular dystrophy. Last evaluated: 2020-07-02. Review status: criteria provided, single submitter. Criteria: Invitae Variant Classification Sherloc (09022015). Collection method: clinical testing. Allele origin: germline.
Comment: For these reasons, this variant has been classified as Pathogenic. Loss-of-function variants in DMD are known to be pathogenic (PMID: 16770791, 25007885). This variant has not been reported in the literature in individuals with DMD-related conditions. This variant is not present in population databases (ExAC no frequency). This sequence change creates a premature translational stop signal (p.Ser2280Argfs*4) in the DMD gene. It is expected to result in an absent or disrupted protein product.

Literature cited by the submitters: PubMed 16770791; PubMed 25007885.

NM_004006.3(DMD):c.6840del (p.Ser2280fs)

Gene: DMD (dystrophin; minus strand). Cytogenetic location: Xp21.1.
Variant type: Deletion.
Coding change: c.6840del on transcript NM_004006.3 (MANE Select); coding-DNA position 6840, one base deleted (T; older notation c.6840delT).
Protein change: p.Ser2280fs; shifts the reading frame from serine 2280.
Molecular consequence: frameshift variant. On other transcripts: 5 prime UTR variant (5).
Genome position (GRCh38, 1-based): chrX:31,929,668, A deleted on the plus strand (T on the coding strand, the reverse complement: DMD is on the minus strand). VCF-style (leftmost placement, unchanged base first): chrX-31929667-CA-C. GRCh37 (hg19) VCF-style: chrX-31947784-CA-C.
Other names: c.6816del, p.Ser2272fs (NM_000109.4); c.6828del, p.Ser2276fs (NM_004009.3); c.6471del, p.Ser2157fs (NM_004010.3); c.2817del, p.Ser939fs (NM_004011.4); c.2808del, p.Ser936fs (NM_004012.4); c.-541del (NM_004013.3, NM_004020.4, NM_004021.3 and 2 more transcripts); short protein forms S2157fs, S2272fs, S2276fs, S2280fs, S936fs, S939fs.
Identifiers: ClinVar variation 1074860 (VCV001074860.7), dbSNP rs2149989620, ClinGen allele CA2499226635.